The following is an entry in ClinVar:

ClinVar aggregate classification (germline): Conflicting classifications of pathogenicity. Review status: criteria provided, conflicting classifications (1 of 4 stars). 2 submissions from 2 submitters: Likely pathogenic (1); Uncertain significance (1). Last evaluated 2024-12-31.

Conditions:
Dilated cardiomyopathy 1G (CMD1G). Identifiers: Orphanet 154, MedGen C1858763, MONDO:0011400, OMIM 604145.
Autosomal recessive limb-girdle muscular dystrophy type 2J (LGMDR10). Also called: Limb-girdle muscular dystrophy, type 2J; MUSCULAR DYSTROPHY, LIMB-GIRDLE, AUTOSOMAL RECESSIVE 10. Identifiers: Orphanet 140922, MedGen C1837342, MONDO:0012127, OMIM 608807.

Submissions (2):

Labcorp Genetics (formerly Invitae), Labcorp
Classification: Likely pathogenic for Dilated cardiomyopathy 1G; Autosomal recessive limb-girdle muscular dystrophy type 2J. Last evaluated: 2024-12-31. Review status: criteria provided, single submitter. Criteria: Invitae Variant Classification Sherloc (09022015). Collection method: clinical testing. Allele origin: germline.
Comment: This sequence change creates a premature translational stop signal (p.Pro4108Leufs*60) in the TTN gene. While this is not anticipated to result in nonsense mediated decay, it is expected to create a truncated TTN protein. This variant is not present in population databases (gnomAD no frequency). This variant has not been reported in the literature in individuals affected with TTN-related conditions. This variant is located in the I band of TTN (PMID: 25589632). Truncating variants in this region have been reported in individuals affected with autosomal recessive centronuclear myopathy (PMID: 23975875, internal data). Truncating variants in this region have also been identified in individuals affected with autosomal dominant dilated cardiomyopathy and/or cardio-related conditions (PMID: 27869827, 32964742, internal data). In summary, the currently available evidence indicates that the variant is pathogenic, but additional data are needed to prove that conclusively. Therefore, this variant has been classified as Likely Pathogenic.

MVZ Medizinische Genetik Mainz
Classification: Uncertain significance for Dilated cardiomyopathy 1G. Last evaluated: 2024-08-20. Review status: criteria provided, single submitter. Criteria: UK Practice Guidelines For Variant Classification V4 01 2020. Collection method: clinical testing. Allele origin: germline. Inheritance: Autosomal dominant inheritance. Affected: yes. Observed: 1 variant allele.
Comment: ACMG Criteria: PVS1_STR,PM2_SUP

Literature cited by the submitters: PubMed 25589632 (cited by Labcorp Genetics (formerly Invitae), Labcorp); PubMed 23975875 (cited by Labcorp Genetics (formerly Invitae), Labcorp); PubMed 27869827 (cited by Labcorp Genetics (formerly Invitae), Labcorp); PubMed 32964742 (cited by Labcorp Genetics (formerly Invitae), Labcorp).

NM_001267550.2(TTN):c.12321del (p.Pro4108fs)

Gene: TTN (titin; minus strand). Cytogenetic location: 2q31.2.
Variant type: Deletion.
Coding change: c.12321del on transcript NM_001267550.2 (MANE Select); coding-DNA position 12321, one base deleted (T; older notation c.12321delT).
Protein change: p.Pro4108fs; shifts the reading frame from proline 4108.
Molecular consequence: frameshift variant. On other transcripts: intron variant (1).
Genome position (GRCh38, 1-based): chr2:178,740,912, A deleted on the plus strand (T on the coding strand, the reverse complement: TTN is on the minus strand); the first of 2 consecutive A bases (chr2:178,740,912-178,740,913); deleting either gives the same sequence. VCF-style (leftmost placement, unchanged base first): chr2-178740911-GA-G. GRCh37 (hg19) VCF-style: chr2-179605638-GA-G.
Other names: c.11370del, p.Pro3791fs (NM_001256850.1); c.11232del, p.Pro3745fs (NM_003319.4); c.11607del, p.Pro3870fs (NM_133432.3); c.11808del, p.Pro3937fs (NM_133437.4); c.10361-2552del (NM_133378.4); short protein forms P3745fs, P3791fs, P3870fs, P3937fs, P4108fs.
Identifiers: ClinVar variation 3342282 (VCV003342282.3).